The following is an entry in ClinVar:

NM_016222.4(DDX41):c.1496C>T (p.Pro499Leu)

Gene: DDX41 (DEAD-box helicase 41; minus strand). Cytogenetic location: 5q35.3.
Variant type: single nucleotide variant.
Coding change: c.1496C>T on transcript NM_016222.4 (MANE Select); coding-DNA position 1496, C replaced by T.
Protein change: p.Pro499Leu; replaces proline 499 with leucine.
Molecular consequence: missense variant.
Genome position (GRCh38, 1-based): chr5:177,512,549, G>A on the plus strand (C>T on the coding strand, the complement: DDX41 is on the minus strand). VCF-style: chr5-177512549-G-A. GRCh37 (hg19) VCF-style: chr5-176939550-G-A.
Other names: c.1118C>T, p.Pro373Leu (NM_001321830.2, NM_001321732.2); short protein forms P373L, P499L.
Identifiers: ClinVar variation 4617121 (VCV004617121.1).

ClinVar aggregate classification (germline): Uncertain significance (1 of 4 stars; one submission).

Conditions:
Inborn genetic diseases. Identifiers: MedGen C0950123, MeSH D030342.

Submission:

Ambry Genetics
Classification: Uncertain significance for Inborn genetic diseases. Last evaluated: 2025-09-17. Review status: criteria provided, single submitter. Criteria: Ambry Variant Classification Scheme 2023. Collection method: clinical testing. Allele origin: germline.
Comment: The p.P499L variant (also known as c.1496C>T), located in coding exon 14 of the DDX41 gene, results from a C to T substitution at nucleotide position 1496. The proline at codon 499 is replaced by leucine, an amino acid with similar properties. This amino acid position is conserved. In addition, the in silico prediction for this alteration is inconclusive. Based on the available evidence, the clinical significance of this variant remains unclear.